The following is an entry in ClinVar:

NM_002878.4(RAD51D):c.404T>A (p.Val135Glu)

Genes: RAD51D (RAD51 paralog D; minus strand), RAD51L3-RFFL (RAD51L3-RFFL readthrough; minus strand). Cytogenetic location: 17q12.
Variant type: single nucleotide variant.
Coding change: c.404T>A on transcript NM_002878.4 (MANE Select); coding-DNA position 404, T replaced by A.
Protein change: p.Val135Glu; replaces valine 135 with glutamic acid.
Molecular consequence: missense variant. On other transcripts: non-coding transcript variant (1), intron variant (1).
Genome position (GRCh38, 1-based): chr17:35,107,064, A>T on the plus strand (T>A on the coding strand, the complement: RAD51D is on the minus strand). VCF-style: chr17-35107064-A-T. GRCh37 (hg19) VCF-style: chr17-33434083-A-T.
Other names: c.464T>A, p.Val155Glu (NM_001142571.2); c.145-583T>A (NM_133629.3); short protein forms V135E, V155E.
Identifiers: ClinVar variation 657311 (VCV000657311.8), dbSNP rs1409370576, ClinGen allele CA399089288.
Genomic context (GRCh38, chr17:35,107,064, plus strand): 5'-TGGGTTTTAGCCTGAAGCAGCTGGAGGAGGCGGGAAGCTGTCAGCCCTCCATTGGAATCT[A>T]CATATAGGACGTTTTGCTGCAGGCCATGGGCCACATTTGCTGCCATACAGAGACATACCT-3'
Protein context (NP_002869.3, residues 125-145): AHGLQQNVLY[Val135Glu]DSNGGLTASR

ClinVar aggregate classification (germline): Uncertain significance. Review status: criteria provided, multiple submitters, no conflicts (2 of 4 stars). 2 submissions from 2 submitters: Uncertain significance (2). Last evaluated 2024-05-27.

Conditions:
Hereditary cancer-predisposing syndrome. Also called: Hereditary neoplastic syndrome; Tumor predisposition; Neoplastic Syndromes, Hereditary; Hereditary Cancer Syndrome. Identifiers: Orphanet 140162, MedGen C0027672, MeSH D009386, MONDO:0015356.
Breast-ovarian cancer, familial, susceptibility to, 4. Identifiers: Orphanet 145, MedGen C3280345, MONDO:0013669, OMIM 614291.

Submissions (2):

Labcorp Genetics (formerly Invitae), Labcorp
Classification: Uncertain significance for Breast-ovarian cancer, familial, susceptibility to, 4. Last evaluated: 2024-05-27. Review status: criteria provided, single submitter. Criteria: Invitae Variant Classification Sherloc (09022015). Collection method: clinical testing. Allele origin: germline.
Comment: This sequence change replaces valine, which is neutral and non-polar, with glutamic acid, which is acidic and polar, at codon 135 of the RAD51D protein (p.Val135Glu). This variant is not present in population databases (gnomAD no frequency). This variant has not been reported in the literature in individuals affected with RAD51D-related conditions. ClinVar contains an entry for this variant (Variation ID: 657311). Advanced modeling of protein sequence and biophysical properties (such as structural, functional, and spatial information, amino acid conservation, physicochemical variation, residue mobility, and thermodynamic stability) has been performed at Invitae for this missense variant, however the output from this modeling did not meet the statistical confidence thresholds required to predict the impact of this variant on RAD51D protein function. RNA analysis performed to evaluate the impact of this missense change on mRNA splicing indicates it does not significantly alter splicing (Invitae). In summary, the available evidence is currently insufficient to determine the role of this variant in disease. Therefore, it has been classified as a Variant of Uncertain Significance.

Ambry Genetics
Classification: Uncertain significance for Hereditary cancer-predisposing syndrome. Last evaluated: 2023-07-27. Review status: criteria provided, single submitter. Criteria: Ambry Variant Classification Scheme 2023. Collection method: clinical testing. Allele origin: germline.
Comment: The p.V135E variant (also known as c.404T>A), located in coding exon 5 of the RAD51D gene, results from a T to A substitution at nucleotide position 404. The valine at codon 135 is replaced by glutamic acid, an amino acid with dissimilar properties. This amino acid position is poorly conserved in available vertebrate species. In addition, this alteration is predicted to be deleterious by in silico analysis. Since supporting evidence is limited at this time, the clinical significance of this alteration remains unclear.